The following is an entry in ClinVar:

NM_004991.4(MECOM):c.3231T>A (p.Asp1077Glu)

Gene: MECOM (MDS1 and EVI1 complex locus; minus strand). Cytogenetic location: 3q26.2.
Variant type: single nucleotide variant.
Coding change: c.3231T>A on transcript NM_004991.4 (MANE Select); coding-DNA position 3231, T replaced by A.
Protein change: p.Asp1077Glu; replaces aspartic acid 1077 with glutamic acid.
Molecular consequence: missense variant.
Genome position (GRCh38, 1-based): chr3:169,090,170, A>T on the plus strand (T>A on the coding strand, the complement: MECOM is on the minus strand). VCF-style: chr3-169090170-A-T. GRCh37 (hg19) VCF-style: chr3-168807958-A-T.
Other names: c.2640T>A, p.Asp880Glu (NM_001366471.2, NM_001366472.2, NM_001164000.2); c.2232T>A, p.Asp744Glu (NM_001366473.2); c.1668T>A, p.Asp556Glu (NM_001366474.2); c.2667T>A, p.Asp889Glu (NM_005241.4, NM_001105078.4, NM_001205194.2 and 1 more transcripts); c.2862T>A, p.Asp954Glu (NM_001105077.4); c.2643T>A, p.Asp881Glu (NM_001163999.2, NM_001366470.2); c.3204T>A, p.Asp1068Glu (NM_001366466.2); c.2670T>A, p.Asp890Glu (NM_001366467.2, NM_001366468.2); short protein forms D890E, D1077E, D556E, D881E, D1068E, D889E, D744E, D880E.
Identifiers: ClinVar variation 4770494 (VCV004770494.1).

ClinVar aggregate classification (germline): Uncertain significance (1 of 4 stars; one submission).

Submission:

Labcorp Genetics (formerly Invitae), Labcorp
Classification: Uncertain significance. Last evaluated: 2025-12-31. Review status: criteria provided, single submitter. Criteria: Invitae Variant Classification Sherloc (09022015). Collection method: clinical testing. Allele origin: germline.
Comment: This sequence change replaces aspartic acid, which is acidic and polar, with glutamic acid, which is acidic and polar, at codon 889 of the MECOM protein (p.Asp889Glu). This variant is not present in population databases (gnomAD no frequency). This variant has not been reported in the literature in individuals affected with MECOM-related conditions. An algorithm developed to predict the effect of missense changes on protein structure and function (PolyPhen-2) suggests that this variant is likely to be tolerated. In summary, the available evidence is currently insufficient to determine the role of this variant in disease. Therefore, it has been classified as a Variant of Uncertain Significance.